The following is an entry in ClinVar:

NM_022124.6(CDH23):c.4582G>A (p.Glu1528Lys)

Gene: CDH23 (cadherin related 23; plus strand). Cytogenetic location: 10q22.1.
Variant type: single nucleotide variant.
Coding change: c.4582G>A on transcript NM_022124.6 (MANE Select); coding-DNA position 4582, G replaced by A.
Protein change: p.Glu1528Lys; replaces glutamic acid 1528 with lysine.
Molecular consequence: missense variant.
Genome position (GRCh38, 1-based): chr10:71,740,915, G>A. VCF-style: chr10-71740915-G-A. GRCh37 (hg19) VCF-style: chr10-73500672-G-A.
Other names: short protein forms E1528K.
Identifiers: ClinVar variation 667205 (VCV000667205.20), dbSNP rs201533282, ClinGen allele CA5545095.

ClinVar aggregate classification (germline): Uncertain significance. Review status: criteria provided, multiple submitters, no conflicts (2 of 4 stars). 6 submissions from 6 submitters: Uncertain significance (5). 1 of the submissions does not count toward it. Last evaluated 2026-06-06.

Conditions:
Usher syndrome type 1 (USH1). Also called: RETINITIS PIGMENTOSA AND CONGENITAL DEAFNESS. Identifiers: Orphanet 231169, Orphanet 886, MedGen C1568247, MONDO:0010168, OMIM 276900.

Allele frequency attached by ClinVar (database versions not stated): gnomAD 0.00006 and 0.00007; TOPMed 0.00009; gnomAD exomes 0.00013 and 0.00014; ESP Exome Variant Server 0.00016; ExAC 0.00017; 1000 Genomes Project 30x 0.00031; 1000 Genomes Project 0.00040.
gnomAD v4.1: 193 of 1,613,964 alleles (0.012%); highest among the groups gnomAD compares: Non-Finnish European, 0.014%; no homozygotes.

Submissions (6):

GeneDx
Classification: Uncertain significance. Last evaluated: 2026-06-06. Review status: criteria provided, single submitter. Criteria: GeneDx Variant Classification Process June 2021. Collection method: clinical testing. Allele origin: germline.
Comment: Reported in the heterozygous state in a patient with retinal degeneration in published literature (PMID: 37734845); In silico analysis suggests that this missense variant does not alter protein structure/function; This variant is associated with the following publications: (PMID: 37734845)

CeGaT Center for Human Genetics Tuebingen
Classification: Uncertain significance. Last evaluated: 2025-07-01. Review status: criteria provided, single submitter. Criteria: CeGaT Center For Human Genetics Tuebingen Variant Classification Criteria Version 2. Collection method: clinical testing. Allele origin: germline. Affected: yes. Observed: 1 variant allele.
Comment: CDH23: PM2

Blueprint Genetics
Classification: Uncertain significance. Last evaluated: 2024-04-23. Review status: criteria provided, single submitter. Criteria: ACMG Guidelines, 2015. Collection method: clinical testing. Allele origin: germline.

Labcorp Genetics (formerly Invitae), Labcorp
Classification: Uncertain significance. Last evaluated: 2022-10-13. Review status: criteria provided, single submitter. Criteria: Invitae Variant Classification Sherloc (09022015). Collection method: clinical testing. Allele origin: germline.
Comment: This sequence change replaces glutamic acid, which is acidic and polar, with lysine, which is basic and polar, at codon 1528 of the CDH23 protein (p.Glu1528Lys). This variant is present in population databases (rs201533282, gnomAD 0.02%). This variant has not been reported in the literature in individuals affected with CDH23-related conditions. ClinVar contains an entry for this variant (Variation ID: 667205). Advanced modeling of protein sequence and biophysical properties (such as structural, functional, and spatial information, amino acid conservation, physicochemical variation, residue mobility, and thermodynamic stability) performed at Invitae indicates that this missense variant is not expected to disrupt CDH23 protein function. In summary, the available evidence is currently insufficient to determine the role of this variant in disease. Therefore, it has been classified as a Variant of Uncertain Significance.

Laboratory for Molecular Medicine, Mass General Brigham Personalized Medicine
Classification: Uncertain significance. Last evaluated: 2018-03-21. Review status: criteria provided, single submitter. Criteria: LMM Criteria. Collection method: clinical testing. Allele origin: germline. Observed: 1 variant allele.
Comment: The p.Glu1528Lys variant in CDH23 has not been previously reported in individual s hearing loss or Usher syndrome, but has been identified in 0.02% (26/126708) E uropean chromosomes by the Genome Aggregation Database (gnomAD; dbSNP rs149752120). Although this variant has been seen in the general population, its frequency is not high enough to rule out a pathogenic r ole. Computational prediction tools and conservation analysis suggest that the p .Glu1528Lys variant may not impact the protein, though this information is not p redictive enough to rule out pathogenicity. In summary, the clinical significanc e of the p.Glu1528Lys variant is uncertain. ACMG/AMP Criteria applied: BP4.

Natera, Inc.
Classification: Uncertain significance for Usher syndrome type 1. Last evaluated: 2020-01-24. Review status: no assertion criteria provided. Collection method: clinical testing. Allele origin: germline. Not counted in ClinVar's aggregate classification.